The following is an entry in ClinVar:

ClinVar aggregate classification (germline): Likely benign. Review status: criteria provided, multiple submitters, no conflicts (2 of 4 stars). 3 submissions from 3 submitters: Likely benign (2). 1 of the submissions does not count toward it. Last evaluated 2026-07-01.

Conditions:
MN1-related disorder. Also called: MN1-related condition.

Allele frequency attached by ClinVar (database versions not stated): 1000 Genomes Project 0.00120; 1000 Genomes Project 30x 0.00156; ExAC 0.00171; gnomAD exomes 0.00178; TOPMed 0.00192; gnomAD 0.00200; ESP Exome Variant Server 0.00248.
gnomAD v4.1: 2,935 of 1,602,624 alleles (0.18%); highest among the groups gnomAD compares: Non-Finnish European, 0.2%; 7 homozygotes.

Submissions (3):

CeGaT Center for Human Genetics Tuebingen
Classification: Likely benign. Last evaluated: 2026-07-01. Review status: criteria provided, single submitter. Criteria: CeGaT Center For Human Genetics Tuebingen Variant Classification Criteria Version 2. Collection method: clinical testing. Allele origin: germline. Affected: yes. Observed: 11 variant alleles.
Comment: MN1: BP4, BP7

Blueprint Genetics
Classification: Likely benign. Last evaluated: 2024-11-28. Review status: criteria provided, single submitter. Criteria: ACMG Guidelines, 2015. Collection method: clinical testing. Allele origin: germline.

PreventionGenetics, part of Exact Sciences
Classification: Benign for MN1-related condition. Last evaluated: 2019-05-06. Review status: no assertion criteria provided. Collection method: clinical testing. Allele origin: germline. Not counted in ClinVar's aggregate classification.
Comment: This variant is classified as benign based on ACMG/AMP sequence variant interpretation guidelines (Richards et al. 2015 PMID: 25741868, with internal and published modifications).

NM_002430.3(MN1):c.3084G>A (p.Leu1028=)

Gene: MN1 (MN1 proto-oncogene, transcriptional regulator; minus strand). Cytogenetic location: 22q12.1.
Variant type: single nucleotide variant.
Coding change: c.3084G>A on transcript NM_002430.3 (MANE Select); coding-DNA position 3084, G replaced by A.
Protein change: p.Leu1028=; no amino-acid change (leucine 1028 retained).
Molecular consequence: synonymous variant.
Genome position (GRCh38, 1-based): chr22:27,797,460, C>T on the plus strand (G>A on the coding strand, the complement: MN1 is on the minus strand). VCF-style: chr22-27797460-C-T. GRCh37 (hg19) VCF-style: chr22-28193448-C-T.
Other names: c.3084G>A (NM_002430.2).
Identifiers: ClinVar variation 2653017 (VCV002653017.26), dbSNP rs200003316, ClinGen allele CA10166124.